The following is an entry in ClinVar:

ClinVar aggregate classification (germline): Conflicting classifications of pathogenicity. Review status: criteria provided, conflicting classifications (1 of 4 stars). 5 submissions from 5 submitters: Pathogenic (1); Uncertain significance (4). Last evaluated 2024-11-07.

Conditions:
BTD-related disorder. Also called: BTD-related condition.
Biotinidase deficiency. Also called: Biotin deficiency; BTD deficiency; Late-onset biotin-responsive multiple carboxylase deficiency. Identifiers: Orphanet 79241, MedGen C0220754, MONDO:0009665, OMIM 253260.

Allele frequency attached by ClinVar (database versions not stated): gnomAD 0.00012 and 0.00015; 1000 Genomes Project 30x 0.00016; ExAC 0.00016; TOPMed 0.00016; 1000 Genomes Project 0.00020; ESP Exome Variant Server 0.00023.
gnomAD v4.1: 416 of 1,614,178 alleles (0.026%); highest among the groups gnomAD compares: South Asian, 0.089%; no homozygotes.

Submissions (5):

Blueprint Genetics
Classification: Pathogenic for BTD-related disorders. Last evaluated: 2024-11-07. Review status: criteria provided, single submitter. Criteria: ACMG Guidelines, 2015. Collection method: clinical testing. Allele origin: germline. Affected: yes. Observed: 5 variant alleles.

Quest Diagnostics Nichols Institute San Juan Capistrano
Classification: Uncertain significance. Last evaluated: 2023-11-03. Review status: criteria provided, single submitter. Criteria: Quest Diagnostics criteria. Collection method: clinical testing. Allele origin: unknown.
Comment: The BTD c.98G>T (p.Cys33Phe) variant has been reported in the published literature in a homozygous individual with biotinidase deficiency (PMID: 26117549 (2015)). Analysis of this variant using bioinformatics tools for the prediction of the effect of amino acid changes on protein structure and function yielded predictions that this variant is benign. Based on the available information, we are unable to determine the clinical significance of this variant.

Labcorp Genetics (formerly Invitae), Labcorp
Classification: Uncertain significance for Biotinidase deficiency. Last evaluated: 2021-09-15. Review status: criteria provided, single submitter. Criteria: Invitae Variant Classification Sherloc (09022015). Collection method: clinical testing. Allele origin: germline.
Comment: This sequence change replaces cysteine with phenylalanine at codon 33 of the BTD protein (p.Cys33Phe). The cysteine residue is weakly conserved and there is a large physicochemical difference between cysteine and phenylalanine. The frequency data for this variant in the population databases is considered unreliable, as metrics indicate poor data quality at this position in the ExAC database. This missense change has been observed in individual(s) with biotinidase deficiency (PMID: 26117549). Algorithms developed to predict the effect of missense changes on protein structure and function output the following: SIFT: "Tolerated"; PolyPhen-2: "Benign"; Align-GVGD: "Class C0". The phenylalanine amino acid residue is found in multiple mammalian species, which suggests that this missense change does not adversely affect protein function. In summary, the available evidence is currently insufficient to determine the role of this variant in disease. Therefore, it has been classified as a Variant of Uncertain Significance.

Mendelics
Classification: Uncertain significance for Biotinidase deficiency. Last evaluated: 2019-05-28. Review status: criteria provided, single submitter. Criteria: Mendelics Assertion Criteria 2017. Collection method: clinical testing. Allele origin: unknown.

CeGaT Center for Human Genetics Tuebingen
Classification: Uncertain significance. Last evaluated: 2018-12-01. Review status: criteria provided, single submitter. Criteria: CeGaT Center For Human Genetics Tuebingen Variant Classification Criteria Version 2. Collection method: clinical testing. Allele origin: germline. Affected: yes. Observed: 1 variant allele.

Literature cited by the submitters: PubMed 26117549 (cited by Quest Diagnostics Nichols Institute San Juan Capistrano and Labcorp Genetics (formerly Invitae), Labcorp).

NM_001370658.1(BTD):c.38G>T (p.Cys13Phe)

Gene: BTD (biotinidase; plus strand). Cytogenetic location: 3p25.1.
Variant type: single nucleotide variant.
Coding change: c.38G>T on transcript NM_001370658.1 (MANE Select); coding-DNA position 38, G replaced by T.
Protein change: p.Cys13Phe; replaces cysteine 13 with phenylalanine.
Molecular consequence: missense variant.
Genome position (GRCh38, 1-based): chr3:15,635,477, G>T. VCF-style: chr3-15635477-G-T. GRCh37 (hg19) VCF-style: chr3-15676984-G-T.
Other names: c.98G>T, p.Cys33Phe (NM_000060.4); c.38G>T, p.Cys13Phe (NM_001281723.4, NM_001281724.3, NM_001281725.3 and 37 more transcripts); short protein forms C13F.
Identifiers: ClinVar variation 801941 (VCV000801941.49), dbSNP rs141131444, ClinGen allele CA2277237.
Genomic context (GRCh38, chr3:15,635,477, plus strand): 5'-ATTCCAGATTTGTGGTCTGCATTATGTCTGGAGCCAGAAGTAAGCTTGCTCTTTTCCTCT[G>T]CGGCTGTTACGTGGTTGCCCTGGGAGCCCACACCGGGGAGGAGAGCGTGGCTGACCATCA-3'
Protein context (NP_001357587.1, residues 3-23): GARSKLALFL[Cys13Phe]GCYVVALGAH